The following is an entry in ClinVar:

ClinVar aggregate classification (germline): Pathogenic (1 of 4 stars; one submission).

Submission:

GeneDx
Classification: Pathogenic. Last evaluated: 2018-07-12. Review status: criteria provided, single submitter. Criteria: GeneDx Variant Classification (06012015). Collection method: clinical testing. Allele origin: germline. Affected: yes.
Comment: The c.1421delT variant in the DLG4 gene has not been reported previously as a pathogenic variant nor as a benign variant to our knowledge. The c.1421delT variant causes a frameshift starting with codon Phenylalanine 474, changes this amino acid to a Serine residue, and creates a premature Stop codon at position 18 of the new reading frame, denoted p.Phe474SerfsX18. This variant is predicted to cause loss of normal protein function either through protein truncation or nonsense-mediated mRNA decay. The c.1421delT variant is not observed in large population cohorts (Lek et al., 2016). The c.1421delT variant is considered a pathogenic variant.

NM_001321075.3(DLG4):c.1292del (p.Phe431fs)

Genes: DLG4 (discs large MAGUK scaffold protein 4; minus strand), LOC126862479 (MED14-independent group 3 enhancer GRCh37_chr17:7099412-7100611; plus strand). Cytogenetic location: 17p13.1.
Variant type: Deletion.
Coding change: c.1292del on transcript NM_001321075.3 (MANE Select); coding-DNA position 1292, one base deleted (T; older notation c.1292delT).
Protein change: p.Phe431fs; shifts the reading frame from phenylalanine 431.
Molecular consequence: frameshift variant. On other transcripts: non-coding transcript variant (1).
Genome position (GRCh38, 1-based): chr17:7,196,229, A deleted on the plus strand (T on the coding strand, the reverse complement: DLG4 is on the minus strand); the first of 3 consecutive A bases (chr17:7,196,229-7,196,231); deleting any one gives the same sequence. VCF-style (leftmost placement, unchanged base first): chr17-7196228-GA-G. GRCh37 (hg19) VCF-style: chr17-7099547-GA-G.
Other names: c.1283del, p.Phe428fs (NM_001128827.4); c.1412del, p.Phe471fs (NM_001321074.1); c.1112del, p.Phe371fs (NM_001321076.3, NM_001321077.3); c.1419delT, p.Phe474Serfs (NM_001365.5); c.1211del, p.Phe404fs (NM_001369566.3); short protein forms F371fs, F404fs, F431fs, F428fs, F471fs, F474fs.
Identifiers: ClinVar variation 817726 (VCV000817726.1), dbSNP rs1597451690, ClinGen allele CA915949493.
Genomic context (GRCh38, chr17:7,196,228, plus strand): 5'-AGTGCCCAGGAACGCAGAGGGGCTGAGGAGTCCAGCCCGGGAAGCCTCTGACCTGATGTA[GA>G]AACCCCTTTTGGGGTTGCTCCGCAGGGACGCAGTCCCTGAGCCCAGGCTGCTGTTCATGA-3'